The following is an entry in ClinVar:

ClinVar aggregate classification (germline): Pathogenic (1 of 4 stars; one submission).

Conditions:
Neurofibromatosis, type 1 (NF1). Also called: VON RECKLINGHAUSEN DISEASE; Peripheral type neurofibromatosis; NEUROFIBROMATOSIS, TYPE I, SOMATIC; Neurofibromatosis, type I. Identifiers: Orphanet 636, MedGen C0027831, MONDO:0018975, OMIM 162200. Disease mechanism: loss of function.

Submission:

Labcorp Genetics (formerly Invitae), Labcorp
Classification: Pathogenic for Neurofibromatosis, type 1. Last evaluated: 2025-11-04. Review status: criteria provided, single submitter. Criteria: Invitae Variant Classification Sherloc (09022015). Collection method: clinical testing. Allele origin: germline.
Comment: This sequence change creates a premature translational stop signal (p.Asp287Thrfs*8) in the NF1 gene. It is expected to result in an absent or disrupted protein product. Loss-of-function variants in NF1 are known to be pathogenic (PMID: 10712197, 23913538). This variant is not present in population databases (gnomAD no frequency). This variant has not been reported in the literature in individuals affected with NF1-related conditions. For these reasons, this variant has been classified as Pathogenic.

Literature cited by the submitters: PubMed 10712197; PubMed 23913538.

NM_001042492.3(NF1):c.858del (p.Asp287fs)

Gene: NF1 (neurofibromin 1; plus strand). Cytogenetic location: 17q11.2.
Variant type: Deletion.
Coding change: c.858del on transcript NM_001042492.3 (MANE Select); coding-DNA position 858, one base deleted (A; older notation c.858delA).
Protein change: p.Asp287fs; shifts the reading frame from aspartic acid 287.
Molecular consequence: frameshift variant.
Genome position (GRCh38, 1-based): chr17:31,182,635, A deleted; the last of 3 consecutive A bases (chr17:31,182,633-31,182,635); deleting any one gives the same sequence. VCF-style (leftmost placement, unchanged base first): chr17-31182632-CA-C. GRCh37 (hg19) VCF-style: chr17-29509650-CA-C.
Other names: c.858del, p.Asp287fs (NM_000267.4, NM_001128147.3); short protein forms D287fs.
Identifiers: ClinVar variation 4730513 (VCV004730513.1).
Genomic context (GRCh38, chr17:31,182,632, plus strand): 5'-AGTTTGGCCACTACAAATCATTCTCCTTATCTTGTGTCCAGAAATAATCCAGGATATATC[CA>C]AAGACGTGGTTGATGAAAACAACATGAATAAGGTAAGGAGGGCAAAATTATTTCCATTAT-3'